The following is an entry in ClinVar:

NM_001182.5(ALDH7A1):c.452T>C (p.Val151Ala)

Gene: ALDH7A1 (aldehyde dehydrogenase 7 family member A1; minus strand). Cytogenetic location: 5q23.2.
Variant type: single nucleotide variant.
Coding change: c.452T>C on transcript NM_001182.5 (MANE Select); coding-DNA position 452, T replaced by C.
Protein change: p.Val151Ala; replaces valine 151 with alanine.
Molecular consequence: missense variant.
Genome position (GRCh38, 1-based): chr5:126,582,916, A>G on the plus strand (T>C on the coding strand, the complement: ALDH7A1 is on the minus strand). VCF-style: chr5-126582916-A-G. GRCh37 (hg19) VCF-style: chr5-125918608-A-G.
Other names: c.368T>C, p.Val123Ala (NM_001201377.2); c.452T>C, p.Val151Ala (NM_001202404.2); short protein forms V151A, V123A.
Identifiers: ClinVar variation 589848 (VCV000589848.5), dbSNP rs1561667040, ClinGen allele CA360731830.
Genomic context (GRCh38, chr5:126,582,916, plus strand): 5'-GAAGGCAAGATAGGTCCTCCAATCATCCTTGATAAACCAACAGCATAGTCACAGATATCC[A>G]CATACTCCTGAACTTCACCCACACCTTCCACTAAGATTTTCCCCATCTCCAAAGACACCT-3'
Protein context (NP_001173.2, residues 141-161): VEGVGEVQEY[Val151Ala]DICDYAVGLS

ClinVar aggregate classification (germline): Uncertain significance (1 of 4 stars; one submission).

Conditions:
Inborn genetic diseases. Identifiers: MedGen C0950123, MeSH D030342.

Submission:

Ambry Genetics
Classification: Uncertain significance for Inborn genetic diseases. Last evaluated: 2016-06-10. Review status: criteria provided, single submitter. Criteria: Ambry Variant Classification Scheme 2023. Collection method: clinical testing. Allele origin: germline.
Comment: The p.V151A variant (also known as c.452T>C), located in coding exon 5 of the ALDH7A1 gene, results from a T to C substitution at nucleotide position 452. The valine at codon 151 is replaced by alanine, an amino acid with similar properties. This variant was not reported in population based cohorts in the following databases: Database of Single Nucleotide Polymorphisms (dbSNP), NHLBI Exome Sequencing Project (ESP), and 1000 Genomes Project. In the ESP, this variant was not observed in 6500 samples (13000 alleles) with coverage at this position. This amino acid position is highly conserved in available vertebrate species. In addition, this alteration is predicted to be deleterious by in silico analysis. Since supporting evidence is limited at this time, the clinical significance of this variant remains unclear.